The following is an entry in ClinVar:

NM_001429.4(EP300):c.3361dup (p.Ile1121fs)

Gene: EP300 (EP300 lysine acetyltransferase; plus strand). Cytogenetic location: 22q13.2.
Variant type: Duplication.
Coding change: c.3361dup on transcript NM_001429.4 (MANE Select); coding-DNA position 3361, one base duplicated (A; older notation c.3361dupA).
Protein change: p.Ile1121fs; shifts the reading frame from isoleucine 1121.
Molecular consequence: frameshift variant.
Genome position (GRCh38, 1-based): chr22:41,157,268, A duplicated. VCF-style (leftmost placement, unchanged base first): chr22-41157267-T-TA. GRCh37 (hg19) VCF-style: chr22-41553271-T-TA.
Other names: c.3283dup, p.Ile1095fs (NM_001362843.2); short protein forms I1095fs, I1121fs.
Identifiers: ClinVar variation 4681864 (VCV004681864.5).

ClinVar aggregate classification (germline): Pathogenic (1 of 4 stars; one submission).

Submission:

CeGaT Center for Human Genetics Tuebingen
Classification: Pathogenic. Last evaluated: 2025-12-01. Review status: criteria provided, single submitter. Criteria: CeGaT Center For Human Genetics Tuebingen Variant Classification Criteria Version 2. Collection method: clinical testing. Allele origin: germline. Affected: yes. Observed: 1 variant allele.
Comment: EP300: PVS1, PM2